The following is an entry in ClinVar:

ClinVar aggregate classification (germline): Uncertain significance (1 of 4 stars; one submission).

Conditions:
Werner syndrome (WRN). Identifiers: Orphanet 902, MedGen C0043119, MONDO:0010196, OMIM 277700.

Allele frequency attached by ClinVar (database versions not stated): gnomAD exomes below 0.00001; TOPMed below 0.00001; gnomAD 0.00001.
gnomAD v4.1: 6 of 1,614,030 alleles (0.00037%); highest among the groups gnomAD compares: Non-Finnish European, 0.00051%; no homozygotes.

Submission:

Labcorp Genetics (formerly Invitae), Labcorp
Classification: Uncertain significance for Werner syndrome. Last evaluated: 2022-03-18. Review status: criteria provided, single submitter. Criteria: Invitae Variant Classification Sherloc (09022015). Collection method: clinical testing. Allele origin: germline.
Comment: This sequence change replaces phenylalanine, which is neutral and non-polar, with leucine, which is neutral and non-polar, at codon 112 of the WRN protein (p.Phe112Leu). This variant is not present in population databases (gnomAD no frequency). This variant has not been reported in the literature in individuals affected with WRN-related conditions. ClinVar contains an entry for this variant (Variation ID: 948778). Algorithms developed to predict the effect of missense changes on protein structure and function are either unavailable or do not agree on the potential impact of this missense change (SIFT: "Not Available"; PolyPhen-2: "Probably Damaging"; Align-GVGD: "Not Available"). In summary, the available evidence is currently insufficient to determine the role of this variant in disease. Therefore, it has been classified as a Variant of Uncertain Significance.

NM_000553.6(WRN):c.334T>C (p.Phe112Leu)

Gene: WRN (WRN RecQ like helicase; plus strand). Cytogenetic location: 8p12.
Variant type: single nucleotide variant.
Coding change: c.334T>C on transcript NM_000553.6 (MANE Select); coding-DNA position 334, T replaced by C.
Protein change: p.Phe112Leu; replaces phenylalanine 112 with leucine.
Molecular consequence: missense variant.
Genome position (GRCh38, 1-based): chr8:31,064,413, T>C. VCF-style: chr8-31064413-T-C. GRCh37 (hg19) VCF-style: chr8-30921929-T-C.
Other names: short protein forms F112L.
Identifiers: ClinVar variation 948778 (VCV000948778.4), dbSNP rs1812615367, ClinGen allele CA370914416.